The following is an entry in ClinVar:

ClinVar aggregate classification (germline): Pathogenic (1 of 4 stars; one submission).

Conditions:
Familial cylindromatosis. Also called: ANCELL-SPIEGLER CYLINDROMAS; Turban tumor syndrome. Identifiers: Orphanet 211, Orphanet 79493, MedGen C1851526, MONDO:0007565, OMIM 132700.

Submission:

Genomic Diagnostic Laboratory, Division of Genomic Diagnostics, Children's Hospital of Philadelphia
Classification: Pathogenic for Cylindromatosis, familial. Last evaluated: 2016-09-23. Review status: criteria provided, single submitter. Criteria: DGD Variant Analysis Guidelines. Collection method: clinical testing. Allele origin: germline. Affected: yes. Observed: 1 variant allele.
Comment: Clinical Testing

NM_001378743.1(CYLD):c.2350+1G>T

Genes: CYLD (CYLD lysine 63 deubiquitinase; plus strand), CYLD-AS2 (CYLD antisense RNA 2; minus strand). Cytogenetic location: 16q12.1.
Variant type: single nucleotide variant.
Coding change: c.2350+1G>T on transcript NM_001378743.1 (MANE Select); the canonical splice donor site of the intron after coding-DNA position 2350, G replaced by T.
Molecular consequence: splice donor variant.
Genome position (GRCh38, 1-based): chr16:50,792,706, G>T. VCF-style: chr16-50792706-G-T. GRCh37 (hg19) VCF-style: chr16-50826617-G-T.
Other names: c.2350+1G>T (NM_015247.3); c.2341+1G>T (NM_001378745.1, NM_001378744.1, NM_001042355.2 and 6 more transcripts); c.2311+1G>T (NM_001378753.1, NM_001378751.1, NM_001378752.1); c.1675+1G>T (NM_001378754.1, NM_001378755.1).
Identifiers: ClinVar variation 267251 (VCV000267251.1), dbSNP rs886040890, ClinGen allele CA10590088.